The following is an entry in ClinVar:

NM_181741.4(ORC4):c.580T>A (p.Cys194Ser)

Gene: ORC4 (origin recognition complex subunit 4; minus strand). Cytogenetic location: 2q23.1.
Variant type: single nucleotide variant.
Coding change: c.580T>A on transcript NM_181741.4 (MANE Select); coding-DNA position 580, T replaced by A.
Protein change: p.Cys194Ser; replaces cysteine 194 with serine.
Molecular consequence: missense variant.
Genome position (GRCh38, 1-based): chr2:147,952,381, A>T on the plus strand (T>A on the coding strand, the complement: ORC4 is on the minus strand). VCF-style: chr2-147952381-A-T. GRCh37 (hg19) VCF-style: chr2-148709950-A-T.
Other names: c.358T>A, p.Cys120Ser (NM_001190882.3); c.580T>A, p.Cys194Ser (NM_001374270.1, NM_002552.5, NM_181742.5 and 1 more transcripts); c.328T>A, p.Cys110Ser (NM_001374272.1, NM_001190881.3); short protein forms C120S, C110S, C194S.
Identifiers: ClinVar variation 4128887 (VCV004128887.2).

ClinVar aggregate classification (germline): Uncertain significance. Review status: criteria provided, multiple submitters, no conflicts (2 of 4 stars). 2 submissions from 2 submitters: Uncertain significance (2). Last evaluated 2025-08-21.

Conditions:
Inborn genetic diseases. Identifiers: MedGen C0950123, MeSH D030342.

gnomAD v4.1: 37 of 1,602,290 alleles (0.0023%); highest among the groups gnomAD compares: South Asian, 0.038%; 1 homozygote.

Submissions (2):

Ambry Genetics
Classification: Uncertain significance for Inborn genetic diseases. Last evaluated: 2025-08-21. Review status: criteria provided, single submitter. Criteria: Ambry Variant Classification Scheme 2023. Collection method: clinical testing. Allele origin: germline.

Labcorp Genetics (formerly Invitae), Labcorp
Classification: Uncertain significance. Last evaluated: 2025-08-04. Review status: criteria provided, single submitter. Criteria: Invitae Variant Classification Sherloc (09022015). Collection method: clinical testing. Allele origin: germline.
Comment: This sequence change replaces cysteine, which is neutral and slightly polar, with serine, which is neutral and polar, at codon 194 of the ORC4 protein (p.Cys194Ser). This variant is present in population databases (rs144969263, gnomAD 0.04%). This variant has not been reported in the literature in individuals affected with ORC4-related conditions. Invitae Evidence Modeling of protein sequence and biophysical properties (such as structural, functional, and spatial information, amino acid conservation, physicochemical variation, residue mobility, and thermodynamic stability) indicates that this missense variant is not expected to disrupt ORC4 protein function with a negative predictive value of 80%. In summary, the available evidence is currently insufficient to determine the role of this variant in disease. Therefore, it has been classified as a Variant of Uncertain Significance.